The following is an entry in ClinVar:

NM_000218.3(KCNQ1):c.1394-27996del

Genes: KCNQ1 (potassium voltage-gated channel subfamily Q member 1; plus strand), KCNQ1OT1 (KCNQ1 opposite strand/antisense transcript 1; minus strand). Cytogenetic location: 11p15.5.
Variant type: Deletion.
Coding change: c.1394-27996del on transcript NM_000218.3 (MANE Select); 27996 bases into the intron before coding-DNA position 1394, one base deleted (A; older notation c.1394-27996delA).
Molecular consequence: intron variant. On other transcripts: non-coding transcript variant (1).
Genome position (GRCh38, 1-based): chr11:2,633,965, A deleted. VCF-style (leftmost placement, unchanged base first): chr11-2633964-CA-C. GRCh37 (hg19) VCF-style: chr11-2655194-CA-C.
Other names: c.1124-27996del (NM_001406837.1); c.1298-27996del (NM_001406836.1); c.854-27996del (NM_001406838.1); c.1013-27996del (NM_181798.2).
Identifiers: ClinVar variation 4874074 (VCV004874074.2).

ClinVar aggregate classification (germline): Benign (1 of 4 stars; one submission).

Submission:

CeGaT Center for Human Genetics Tuebingen
Classification: Benign. Last evaluated: 2026-06-01. Review status: criteria provided, single submitter. Criteria: CeGaT Center For Human Genetics Tuebingen Variant Classification Criteria Version 2. Collection method: clinical testing. Allele origin: germline. Affected: yes. Observed: 1 variant allele.
Comment: KCNQ1OT1: BS1, BS2